The following is an entry in ClinVar:

ClinVar aggregate classification (germline): Pathogenic. Review status: reviewed by expert panel (3 of 4 stars). 3 submissions from 3 submitters: Pathogenic (1). 2 of the submissions do not count toward it. Last evaluated 2016-10-18.

Conditions:
Breast-ovarian cancer, familial, susceptibility to, 1 (BROVCA1). Also called: BRCA1 Hereditary Breast and Ovarian Cancer; OVARIAN CANCER, SUSCEPTIBILITY TO. Identifiers: Orphanet 145, MedGen C2676676, MONDO:0011450, OMIM 604370. Disease mechanism: loss of function.
Hereditary breast ovarian cancer syndrome. Also called: BRCA1- and BRCA2-Associated Hereditary Breast and Ovarian Cancer; Hereditary breast and ovarian cancer syndrome; Hereditary breast and ovarian cancer syndrome (HBOC); Breast and ovarian cancer; Hereditary breast and/or ovarian cancer syndrome; Hereditary breast and ovarian cancer. Identifiers: Orphanet 145, MedGen C0677776, MeSH D061325, MONDO:0003582. Disease mechanism: loss of function.

Submissions (3):

Evidence-based Network for the Interpretation of Germline Mutant Alleles (ENIGMA)
Classification: Pathogenic for Breast-ovarian cancer, familial, susceptibility to, 1. Last evaluated: 2016-10-18. Review status: reviewed by expert panel. Criteria: ENIGMA BRCA1/2 Classification Criteria (2015). Collection method: curation. Allele origin: germline.
Comment: Variant allele predicted to encode a truncated non-functional protein.

Consortium of Investigators of Modifiers of BRCA1/2 (CIMBA), c/o University of Cambridge
Classification: Pathogenic for Breast-ovarian cancer, familial, susceptibility to, 1. Last evaluated: 2015-10-02. Review status: criteria provided, single submitter. Criteria: CIMBA Mutation Classification guidelines May 2016. Collection method: clinical testing. Allele origin: germline. Not counted in ClinVar's aggregate classification.

Research Molecular Genetics Laboratory, Women's College Hospital, University of Toronto
Classification: Pathogenic for Hereditary breast ovarian cancer syndrome. Last evaluated: 2014-01-31. Review status: no assertion criteria provided. Collection method: research. Allele origin: germline. Affected: yes. Study: The Canadian Open Genetics Repository (COGR). Not counted in ClinVar's aggregate classification.

NM_007294.4(BRCA1):c.4066_4069del (p.Gln1356fs)

Genes: BRCA1 (BRCA1 DNA repair associated; minus strand), LOC126862571 (BRD4-independent group 4 enhancer GRCh37_chr17:41243136-41244335; plus strand). Cytogenetic location: 17q21.31.
Variant type: Deletion.
Coding change: c.4066_4069del on transcript NM_007294.4 (MANE Select); coding-DNA positions 4066 to 4069, 4 bases deleted (CAAG; older notation c.4066_4069delCAAG).
Protein change: p.Gln1356fs; shifts the reading frame from glutamine 1356.
Molecular consequence: frameshift variant. On other transcripts: intron variant (135).
Genome position (GRCh38, 1-based): chr17:43,091,462-43,091,465, CTTG deleted on the plus strand (CAAG on the coding strand, the reverse complement: BRCA1 is on the minus strand). VCF-style (leftmost placement, unchanged base first): chr17-43091461-TCTTG-T. GRCh37 (hg19) VCF-style: chr17-41243478-TCTTG-T.
Other names: 4185del4; c.3925_3928del, p.Gln1309fs (NM_001407752.1, NM_001407850.1, NM_001407851.1 and 29 more transcripts); c.3922_3925del, p.Gln1308fs (NM_001407838.1, NM_001407839.1, NM_001407841.1 and 20 more transcripts); c.3853_3856del, p.Gln1285fs (NM_001407853.1, NM_001407894.1, NM_001407895.1 and 9 more transcripts); c.4066_4069del, p.Gln1356fs (NM_001407854.1, NM_001407858.1, NM_001407859.1 and 30 more transcripts); c.4063_4066del, p.Gln1355fs (NM_001407860.1, NM_001407861.1, NM_001407587.1 and 22 more transcripts); c.3865_3868del, p.Gln1289fs (NM_001407862.1); c.3943_3946del, p.Gln1315fs (NM_001407863.1, NM_001407919.1, NM_001407937.1 and 19 more transcripts); and 42 more; short protein forms Q1309fs, Q1356fs, Q1188fs, Q1244fs, Q1268fs, Q1353fs, Q488fs, Q1229fs.
Identifiers: ClinVar variation 55094 (VCV000055094.7), dbSNP rs397509135, ClinGen allele CA002598.